The following is an entry in ClinVar:

NM_000069.3(CACNA1S):c.2453C>T (p.Ala818Val)

Gene: CACNA1S (calcium voltage-gated channel subunit alpha1 S; minus strand). Cytogenetic location: 1q32.1.
Variant type: single nucleotide variant.
Coding change: c.2453C>T on transcript NM_000069.3 (MANE Select); coding-DNA position 2453, C replaced by T.
Protein change: p.Ala818Val; replaces alanine 818 with valine.
Molecular consequence: missense variant.
Genome position (GRCh38, 1-based): chr1:201,069,509, G>A on the plus strand (C>T on the coding strand, the complement: CACNA1S is on the minus strand). VCF-style: chr1-201069509-G-A. GRCh37 (hg19) VCF-style: chr1-201038637-G-A.
Other names: short protein forms A818V.
Identifiers: ClinVar variation 951426 (VCV000951426.10), dbSNP rs372668776, ClinGen allele CA078995.
Genomic context (GRCh38, chr1:201,069,509, plus strand): 5'-GCAGAGAGGGTGAAGCCCGTCACCTGATTTCTCATGGAATCAGCCCGGATGGGGTCTTCC[G>A]CAGCCAGTGCAGCGCTGCTGAGCAGGATGAAGAGCAGGATGAAGTTGGTAAACCAGGTGG-3'
Protein context (NP_000060.2, residues 808-828): FILLSSAALA[Ala818Val]EDPIRADSMR

ClinVar aggregate classification (germline): Conflicting classifications of pathogenicity. Review status: criteria provided, conflicting classifications (1 of 4 stars). 3 submissions from 3 submitters: Uncertain significance (2); Likely benign (1). Last evaluated 2025-12-23.

Conditions:
Hypokalemic periodic paralysis, type 1. Also called: HypoPP; Hypokalemic Periodic Paralysis Type 1 (AD). Identifiers: Orphanet 681, MedGen C3714580, MONDO:0042979, OMIM 170400.
Malignant hyperthermia, susceptibility to, 5 (MHS5). Also called: CACNA1S-Related Malignant Hyperthermia Susceptibility. Identifiers: Orphanet 423, MedGen C1866077, MONDO:0011163, OMIM 601887.

Allele frequency attached by ClinVar (database versions not stated): gnomAD exomes 0.00003 and 0.00002; gnomAD 0.00004; ExAC 0.00005; TOPMed 0.00005; ESP Exome Variant Server 0.00008; 1000 Genomes Project 30x 0.00016; 1000 Genomes Project 0.00020.
gnomAD v4.1: 41 of 1,596,370 alleles (0.0026%); highest among the groups gnomAD compares: African/African-American, 0.0067%; no homozygotes.

Submissions (3):

Labcorp Genetics (formerly Invitae), Labcorp
Classification: Likely benign for Hypokalemic periodic paralysis, type 1; Malignant hyperthermia, susceptibility to, 5. Last evaluated: 2025-12-23. Review status: criteria provided, single submitter. Criteria: Invitae Variant Classification Sherloc (09022015). Collection method: clinical testing. Allele origin: germline.

GeneDx
Classification: Uncertain significance. Last evaluated: 2022-05-16. Review status: criteria provided, single submitter. Criteria: GeneDx Variant Classification Process June 2021. Collection method: clinical testing. Allele origin: germline. Affected: yes.
Comment: In silico analysis supports that this missense variant has a deleterious effect on protein structure/function; Has not been previously published as pathogenic or benign to our knowledge

Breakthrough Genomics
Classification: Uncertain significance. Review status: criteria provided, single submitter. Criteria: ACMG Guidelines, 2015. Collection method: not provided. Allele origin: germline. Inheritance: Autosomal dominant inheritance. Affected: yes.